The following is an entry in ClinVar:

ClinVar aggregate classification (germline): Uncertain significance (1 of 4 stars; one submission).

Allele frequency attached by ClinVar (database versions not stated): ExAC 0.00002; gnomAD 0.00002 and 0.00003; gnomAD exomes 0.00002; TOPMed 0.00002; ESP Exome Variant Server 0.00008; 1000 Genomes Project 30x 0.00016; 1000 Genomes Project 0.00020.
gnomAD v4.1: 30 of 1,613,644 alleles (0.0019%); highest among the groups gnomAD compares: Non-Finnish European, 0.0025%; no homozygotes.

Submission:

Labcorp Genetics (formerly Invitae), Labcorp
Classification: Uncertain significance. Last evaluated: 2023-09-05. Review status: criteria provided, single submitter. Criteria: Invitae Variant Classification Sherloc (09022015). Collection method: clinical testing. Allele origin: germline.
Comment: This sequence change replaces threonine, which is neutral and polar, with isoleucine, which is neutral and non-polar, at codon 338 of the TTLL5 protein (p.Thr338Ile). This variant is present in population databases (rs142999332, gnomAD 0.005%). This variant has not been reported in the literature in individuals affected with TTLL5-related conditions. In summary, the available evidence is currently insufficient to determine the role of this variant in disease. Therefore, it has been classified as a Variant of Uncertain Significance. Advanced modeling of protein sequence and biophysical properties (such as structural, functional, and spatial information, amino acid conservation, physicochemical variation, residue mobility, and thermodynamic stability) performed at Invitae indicates that this missense variant is not expected to disrupt TTLL5 protein function. ClinVar contains an entry for this variant (Variation ID: 965347).

NM_015072.5(TTLL5):c.1013C>T (p.Thr338Ile)

Gene: TTLL5 (tubulin tyrosine ligase like 5; plus strand). Cytogenetic location: 14q24.3.
Variant type: single nucleotide variant.
Coding change: c.1013C>T on transcript NM_015072.5 (MANE Select); coding-DNA position 1013, C replaced by T.
Protein change: p.Thr338Ile; replaces threonine 338 with isoleucine.
Molecular consequence: missense variant.
Genome position (GRCh38, 1-based): chr14:75,720,674, C>T. VCF-style: chr14-75720674-C-T. GRCh37 (hg19) VCF-style: chr14-76187017-C-T.
Other names: short protein forms T338I.
Identifiers: ClinVar variation 965347 (VCV000965347.8), dbSNP rs142999332, ClinGen allele CA7279190.